The following is an entry in ClinVar:

NM_004836.7(EIF2AK3):c.2886G>C (p.Met962Ile)

Genes: EIF2AK3 (eukaryotic translation initiation factor 2 alpha kinase 3; minus strand), EIF2AK3-AS1 (EIF2AK3 antisense RNA 1; plus strand). Cytogenetic location: 2p11.2.
Variant type: single nucleotide variant.
Coding change: c.2886G>C on transcript NM_004836.7 (MANE Select); coding-DNA position 2886, G replaced by C.
Protein change: p.Met962Ile; replaces methionine 962 with isoleucine.
Molecular consequence: missense variant.
Genome position (GRCh38, 1-based): chr2:88,570,973, C>G on the plus strand (G>C on the coding strand, the complement: EIF2AK3 is on the minus strand). VCF-style: chr2-88570973-C-G. GRCh37 (hg19) VCF-style: chr2-88870491-C-G.
Other names: c.2433G>C, p.Met811Ile (NM_001313915.2); short protein forms M962I, M811I.
Identifiers: ClinVar variation 2113553 (VCV002113553.4), dbSNP rs2529117176, ClinGen allele CA347587152.

ClinVar aggregate classification (germline): Uncertain significance (1 of 4 stars; one submission).

Submission:

Labcorp Genetics (formerly Invitae), Labcorp
Classification: Uncertain significance. Last evaluated: 2023-12-18. Review status: criteria provided, single submitter. Criteria: Invitae Variant Classification Sherloc (09022015). Collection method: clinical testing. Allele origin: germline.
Comment: This sequence change replaces methionine, which is neutral and non-polar, with isoleucine, which is neutral and non-polar, at codon 962 of the EIF2AK3 protein (p.Met962Ile). This variant is not present in population databases (gnomAD no frequency). This variant has not been reported in the literature in individuals affected with EIF2AK3-related conditions. ClinVar contains an entry for this variant (Variation ID: 2113553). An algorithm developed to predict the effect of missense changes on protein structure and function (PolyPhen-2) suggests that this variant is likely to be tolerated. In summary, the available evidence is currently insufficient to determine the role of this variant in disease. Therefore, it has been classified as a Variant of Uncertain Significance.